The following is an entry in ClinVar:

NM_000742.4(CHRNA2):c.1516T>A (p.Trp506Arg)

Gene: CHRNA2 (cholinergic receptor nicotinic alpha 2 subunit; minus strand). Cytogenetic location: 8p21.2.
Variant type: single nucleotide variant.
Coding change: c.1516T>A on transcript NM_000742.4 (MANE Select); coding-DNA position 1516, T replaced by A.
Protein change: p.Trp506Arg; replaces tryptophan 506 with arginine.
Molecular consequence: missense variant.
Genome position (GRCh38, 1-based): chr8:27,461,703, A>T on the plus strand (T>A on the coding strand, the complement: CHRNA2 is on the minus strand). VCF-style: chr8-27461703-A-T. GRCh37 (hg19) VCF-style: chr8-27319220-A-T.
Other names: c.1471T>A, p.Trp491Arg (NM_001282455.2); c.1039T>A, p.Trp347Arg (NM_001347705.2, NM_001347706.2); c.922T>A, p.Trp308Arg (NM_001347707.2, NM_001347708.2); short protein forms W506R, W347R, W308R, W491R.
Identifiers: ClinVar variation 543534 (VCV000543534.10), dbSNP rs1012797739, ClinGen allele CA174237188.

ClinVar aggregate classification (germline): Uncertain significance. Review status: criteria provided, multiple submitters, no conflicts (2 of 4 stars). 3 submissions from 3 submitters: Uncertain significance (3). Last evaluated 2025-07-30.

Conditions:
Inborn genetic diseases. Identifiers: MedGen C0950123, MeSH D030342.
Familial sleep-related hypermotor epilepsy. Also called: Autosomal Dominant Sleep-Related Hypermotor (Hyperkinetic) Epilepsy. Identifiers: Orphanet 98784, MedGen C3696898, MONDO:0000030.
Autosomal dominant nocturnal frontal lobe epilepsy 4. Also called: CHRNA2-Related Nocturnal Frontal Lobe Epilepsy, Autosomal Dominant; EPILEPSY, FAMILIAL, WITH NOCTURNAL WANDERING AND ICTAL FEAR. Identifiers: Orphanet 98784, MedGen C1835905, MONDO:0012474, OMIM 610353.

Allele frequency attached by ClinVar (database versions not stated): gnomAD exomes below 0.00001; gnomAD 0.00001.
gnomAD v4.1: 6 of 1,614,152 alleles (0.00037%); highest among the groups gnomAD compares: Non-Finnish European, 0.00051%; no homozygotes.

Submissions (3):

Labcorp Genetics (formerly Invitae), Labcorp
Classification: Uncertain significance. Last evaluated: 2025-07-30. Review status: criteria provided, single submitter. Criteria: Invitae Variant Classification Sherloc (09022015). Collection method: clinical testing. Allele origin: germline.
Comment: This sequence change replaces tryptophan, which is neutral and slightly polar, with arginine, which is basic and polar, at codon 506 of the CHRNA2 protein (p.Trp506Arg). This variant is present in population databases (no rsID available, gnomAD 0.0009%). This variant has not been reported in the literature in individuals affected with CHRNA2-related conditions. This missense change has been observed in at least one individual who was not affected with CHRNA2-related conditions (internal data). ClinVar contains an entry for this variant (Variation ID: 543534). Invitae Evidence Modeling of protein sequence and biophysical properties (such as structural, functional, and spatial information, amino acid conservation, physicochemical variation, residue mobility, and thermodynamic stability) indicates that this missense variant is expected to disrupt CHRNA2 protein function with a positive predictive value of 80%. In summary, the available evidence is currently insufficient to determine the role of this variant in disease. Therefore, it has been classified as a Variant of Uncertain Significance.

Ambry Genetics
Classification: Uncertain significance for Inborn genetic diseases. Last evaluated: 2023-05-23. Review status: criteria provided, single submitter. Criteria: Ambry Variant Classification Scheme 2023. Collection method: clinical testing. Allele origin: germline.

Fulgent Genetics
Classification: Uncertain significance for Autosomal dominant nocturnal frontal lobe epilepsy 4. Last evaluated: 2018-10-31. Review status: criteria provided, single submitter. Criteria: ACMG Guidelines, 2015. Collection method: clinical testing. Allele origin: unknown.